The following is an entry in ClinVar:

ClinVar aggregate classification (germline): Pathogenic (1 of 4 stars; one submission).

Conditions:
Multiple congenital exostosis (EXT). Also called: Hereditary multiple osteochondromas; Multiple osteochondromas; Multiple exostoses; MULTIPLE CARTILAGINOUS EXOSTOSES; Hereditary multiple exostoses; Hereditary multiple exostosis. Identifiers: Orphanet 321, MedGen C0015306, MONDO:0005508, HP:0002762.

Submission:

Labcorp Genetics (formerly Invitae), Labcorp
Classification: Pathogenic for Multiple congenital exostosis. Last evaluated: 2019-07-06. Review status: criteria provided, single submitter. Criteria: Invitae Variant Classification Sherloc (09022015). Collection method: clinical testing. Allele origin: germline.
Comment: For these reasons, this variant has been classified as Pathogenic. Loss-of-function variants in EXT1 are known to be pathogenic (PMID: 10679937, 11391482, 19810120). Algorithms developed to predict the effect of sequence changes on RNA splicing suggest that this variant may create or strengthen a splice site, but this prediction has not been confirmed by published transcriptional studies. This variant has not been reported in the literature in individuals with EXT1-related conditions. This variant is not present in population databases (ExAC no frequency). This sequence change creates a premature translational stop signal (p.Tyr22*) in the EXT1 gene. It is expected to result in an absent or disrupted protein product.

Literature cited by the submitters: PubMed 10679937; PubMed 11391482; PubMed 19810120.

NM_000127.3(EXT1):c.66T>G (p.Tyr22Ter)

Gene: EXT1 (exostosin glycosyltransferase 1; minus strand). Cytogenetic location: 8q24.11.
Variant type: single nucleotide variant.
Coding change: c.66T>G on transcript NM_000127.3 (MANE Select); coding-DNA position 66, T replaced by G.
Protein change: p.Tyr22Ter; replaces tyrosine 22 with a stop codon.
Molecular consequence: nonsense.
Genome position (GRCh38, 1-based): chr8:118,110,981, A>C on the plus strand (T>G on the coding strand, the complement: EXT1 is on the minus strand). VCF-style: chr8-118110981-A-C. GRCh37 (hg19) VCF-style: chr8-119123220-A-C.
Other names: short protein forms Y22*.
Identifiers: ClinVar variation 947529 (VCV000947529.7), dbSNP rs764093488, ClinGen allele CA371916673.